The following is an entry in ClinVar:

NM_000384.3(APOB):c.9294C>A (p.Tyr3098Ter)

Gene: APOB (apolipoprotein B; minus strand). Cytogenetic location: 2p24.1.
Variant type: single nucleotide variant.
Coding change: c.9294C>A on transcript NM_000384.3 (MANE Select); coding-DNA position 9294, C replaced by A.
Protein change: p.Tyr3098Ter; replaces tyrosine 3098 with a stop codon.
Molecular consequence: nonsense.
Genome position (GRCh38, 1-based): chr2:21,007,574, G>T on the plus strand (C>A on the coding strand, the complement: APOB is on the minus strand). VCF-style: chr2-21007574-G-T. GRCh37 (hg19) VCF-style: chr2-21230446-G-T.
Other names: short protein forms Y3098*.
Identifiers: ClinVar variation 3893241 (VCV003893241.1).

ClinVar aggregate classification (germline): Likely pathogenic (1 of 4 stars; one submission).

Conditions:
Hypercholesterolemia, autosomal dominant, type B (FHCL2). Also called: Familial Hypercholesterolemia Type B; APOLIPOPROTEIN B-100, FAMILIAL DEFECTIVE; APOLIPOPROTEIN B-100, FAMILIAL LIGAND-DEFECTIVE; Hyperlipoproteinemia Type IIb; Familial hypercholesterolemia 2; APOB-Related Familial Hypercholesterolemia, Autosomal Dominant. Identifiers: MedGen C1704417, MONDO:0007751, OMIM 144010.

Submission:

Illumina Laboratory Services, Illumina
Classification: Likely pathogenic for Hypercholesterolemia, autosomal dominant, type B. Last evaluated: 2024-01-09. Review status: criteria provided, single submitter. Criteria: ICSLVariantClassificationCriteria RUGD 01 April 2020. Collection method: clinical testing. Allele origin: unknown.
Comment: The APOB c.9294C>A p.(Tyr3098Ter) nonsense variant results in the loss of normal protein function through either protein truncation or nonsense-mediated mRNA decay. To our knowledge, this variant has not been reported in the peer-reviewed literature. This variant is not observed in version 2.1.1 or version 4.0.0 of the Genome Aggregation Database. Based on the available evidence, the c.9294C>A p.(Tyr3098Ter) variant is classified as likely pathogenic for familial hypercholesterolemia.